The following is an entry in ClinVar:

ClinVar aggregate classification (germline): Uncertain significance (1 of 4 stars; one submission).

Submission:

Labcorp Genetics (formerly Invitae), Labcorp
Classification: Uncertain significance. Last evaluated: 2024-04-22. Review status: criteria provided, single submitter. Criteria: Invitae Variant Classification Sherloc (09022015). Collection method: clinical testing. Allele origin: germline.
Comment: This sequence change replaces alanine, which is neutral and non-polar, with threonine, which is neutral and polar, at codon 927 of the AHDC1 protein (p.Ala927Thr). This variant is not present in population databases (gnomAD no frequency). This variant has not been reported in the literature in individuals affected with AHDC1-related conditions. ClinVar contains an entry for this variant (Variation ID: 2001970). Algorithms developed to predict the effect of missense changes on protein structure and function output the following: SIFT: "Not Available"; PolyPhen-2: "Possibly Damaging"; Align-GVGD: "Not Available". The threonine amino acid residue is found in multiple mammalian species, which suggests that this missense change does not adversely affect protein function. In summary, the available evidence is currently insufficient to determine the role of this variant in disease. Therefore, it has been classified as a Variant of Uncertain Significance.

NM_001371928.1(AHDC1):c.2779G>A (p.Ala927Thr)

Gene: AHDC1 (AT-hook DNA binding motif containing 1; minus strand). Cytogenetic location: 1p36.11.
Variant type: single nucleotide variant.
Coding change: c.2779G>A on transcript NM_001371928.1 (MANE Select); coding-DNA position 2779, G replaced by A.
Protein change: p.Ala927Thr; replaces alanine 927 with threonine.
Molecular consequence: missense variant.
Genome position (GRCh38, 1-based): chr1:27,549,337, C>T on the plus strand (G>A on the coding strand, the complement: AHDC1 is on the minus strand). VCF-style: chr1-27549337-C-T. GRCh37 (hg19) VCF-style: chr1-27875848-C-T.
Other names: c.2779G>A, p.Ala927Thr (NM_001029882.3); short protein forms A927T.
Identifiers: ClinVar variation 2001970 (VCV002001970.4), dbSNP rs2148274612, ClinGen allele CA339229726.
Genomic context (GRCh38, chr1:27,549,337, plus strand): 5'-GCTTGGGGAAGGTCTCGGCTGCCCGGCAGTCTGAAGCGGCTGGAGTTAGCCCATAGCTTG[C>T]TGCTCGTCCTGGTGGGAAGGTCTGGCGCGCGGACAGGACAGGCTGAAAGGAGGGGTCCGC-3'
Protein context (NP_001358857.1, residues 917-937): ARQTFPPGRA[Ala927Thr]SYGLTPAASD